The following is an entry in ClinVar:

ClinVar aggregate classification (germline): Conflicting classifications of pathogenicity. Review status: criteria provided, conflicting classifications (1 of 4 stars). 2 submissions from 2 submitters: Likely pathogenic (1); Uncertain significance (1). Last evaluated 2025-02-20.

Conditions:
Leigh syndrome (NULS). Also called: Leigh's syndrome; Leigh Disease; Subacute necrotizing encephalopathy; Necrotizing encephalopathy infantile subacute of Leigh; Leigh Syndrome (mtDNA deletion); LEIGH SYNDROME, NUCLEAR. Identifiers: Orphanet 506, MedGen C2931891, MONDO:0009723, OMIM 256000.

Submissions (2):

Victorian Clinical Genetics Services, Murdoch Childrens Research Institute
Classification: Likely pathogenic for Leigh syndrome. Last evaluated: 2025-02-20. Review status: criteria provided, single submitter. Criteria: ACMG Guidelines, 2015. Collection method: clinical testing. Allele origin: germline.
Comment: This variant is classified as Likely pathogenic. Evidence in support of pathogenic classification: Variant is predicted to result in a loss of the canonical translation initiation codon (ATG); Variant is absent from gnomAD (v2, v3 and v4); This variant has limited previous evidence of pathogenicity in an unrelated individual(s). This variant has been classified as likely pathogenic by a clinical laboratory in ClinVar; Other start loss variant(s) comparable to the one identified in this case have moderate previous evidence for pathogenicity. c.1A>C and c.1A>T have been classified as pathogenic and likely pathogenic by clinical laboratories in ClinVar. Additional information: This variant is heterozygous; This gene is associated with autosomal recessive disease; Alternative nucleotide change(s) at the same initiation codon are present in gnomAD (highest alelle count v4: 178 heterozygote(s), 0 homozygote(s)); No published segregation evidence has been identified for this variant; No published functional evidence has been identified for this variant; Loss of function is a known mechanism of disease in this gene and is associated with combined oxidative phosphorylation deficiency 15 (MIM#614947) and mitochondrial complex I deficiency, nuclear type 27 (MIM#618248).

Revvity Omics, Revvity
Classification: Uncertain significance. Last evaluated: 2025-02-18. Review status: criteria provided, single submitter. Criteria: ACMG Guidelines, 2015. Collection method: clinical testing. Allele origin: germline.

NM_139242.4(MTFMT):c.2T>C (p.Met1Thr)

Genes: MTFMT (mitochondrial methionyl-tRNA formyltransferase; minus strand), LOC130057309 (ATAC-STARR-seq lymphoblastoid silent region 6550; plus strand). Cytogenetic location: 15q22.31.
Variant type: single nucleotide variant.
Coding change: c.2T>C on transcript NM_139242.4 (MANE Select); coding-DNA position 2, T replaced by C.
Protein change: p.Met1Thr; changes the start codon (methionine 1).
Molecular consequence: missense variant, initiator codon variant.
Genome position (GRCh38, 1-based): chr15:65,029,612, A>G on the plus strand (T>C on the coding strand, the complement: MTFMT is on the minus strand). VCF-style: chr15-65029612-A-G. GRCh37 (hg19) VCF-style: chr15-65321950-A-G.
Other names: short protein forms M1T.
Identifiers: ClinVar variation 1324743 (VCV001324743.7), dbSNP rs1023219835, ClinGen allele CA271504928.